The following is an entry in ClinVar:

NM_001365276.2(TNXB):c.7137T>C (p.Arg2379=)

Gene: TNXB (tenascin XB; minus strand). Cytogenetic location: 6p21.33.
Variant type: single nucleotide variant.
Coding change: c.7137T>C on transcript NM_001365276.2 (MANE Select); coding-DNA position 7137, T replaced by C.
Protein change: p.Arg2379=; no amino-acid change (arginine 2379 retained).
Molecular consequence: synonymous variant.
Genome position (GRCh38, 1-based): chr6:32,062,188, A>G on the plus strand (T>C on the coding strand, the complement: TNXB is on the minus strand). VCF-style: chr6-32062188-A-G. GRCh37 (hg19) VCF-style: chr6-32029965-A-G.
Other names: c.7137T>C, p.Arg2379= (NM_019105.8).
Identifiers: ClinVar variation 809900 (VCV000809900.44), dbSNP rs1398419017, ClinGen allele CA449821176.

ClinVar aggregate classification (germline): Likely benign. Review status: criteria provided, multiple submitters, no conflicts (2 of 4 stars). 2 submissions from 2 submitters: Likely benign (2). Last evaluated 2022-04-01.

Conditions:
Cardiovascular phenotype. Identifiers: MedGen CN230736.

Allele frequency attached by ClinVar (database versions not stated): gnomAD exomes below 0.00001.
gnomAD v4.1: 4 of 1,612,058 alleles (0.00025%); highest among the groups gnomAD compares: Non-Finnish European, 0.00017%; no homozygotes.

Submissions (2):

CeGaT Center for Human Genetics Tuebingen
Classification: Likely benign. Last evaluated: 2022-04-01. Review status: criteria provided, single submitter. Criteria: CeGaT Center For Human Genetics Tuebingen Variant Classification Criteria Version 2. Collection method: clinical testing. Allele origin: germline. Affected: yes. Observed: 2 variant alleles.
Comment: TNXB: BP4, BP7

Ambry Genetics
Classification: Likely benign for Cardiovascular phenotype. Last evaluated: 2021-09-26. Review status: criteria provided, single submitter. Criteria: Ambry Variant Classification Scheme 2023. Collection method: clinical testing. Allele origin: germline.